The following is an entry in ClinVar:

NM_001927.4(DES):c.212C>T (p.Ala71Val)

Gene: DES (desmin; plus strand). Cytogenetic location: 2q35.
Variant type: single nucleotide variant.
Coding change: c.212C>T on transcript NM_001927.4 (MANE Select); coding-DNA position 212, C replaced by T.
Protein change: p.Ala71Val; replaces alanine 71 with valine.
Molecular consequence: missense variant.
Genome position (GRCh38, 1-based): chr2:219,418,674, C>T. VCF-style: chr2-219418674-C-T. GRCh37 (hg19) VCF-style: chr2-220283396-C-T.
Other names: c.212C>T (LRG_380t1); short protein forms A71V.
Identifiers: ClinVar variation 222541 (VCV000222541.10), dbSNP rs759235186, ClinGen allele CA068076.

ClinVar aggregate classification (germline): Uncertain significance. Review status: criteria provided, multiple submitters, no conflicts (2 of 4 stars). 2 submissions from 2 submitters: Uncertain significance (2). Last evaluated 2024-11-08.

Conditions:
Desmin-related myofibrillar myopathy (MFM1). Also called: Desminopathy; Myofibrillar myopathy 1; MYOFIBRILLAR MYOPATHY WITH ARRHYTHMOGENIC RIGHT VENTRICULAR CARDIOMYOPATHY; DESMIN-RELATED MYOPATHY WITH ARRHYTHMOGENIC RIGHT VENTRICULAR CARDIOMYOPATHY; Desmin related myopathy (former name); Desmin storage myopathy (former name). Identifiers: Orphanet 363543, Orphanet 98909, MedGen C1832370, MONDO:0011076, OMIM 601419.

Allele frequency attached by ClinVar (database versions not stated): TOPMed 0.00001; gnomAD exomes 0.00002; ExAC 0.00008.
gnomAD v4.1: 8 of 1,579,578 alleles (0.00051%); highest among the groups gnomAD compares: Non-Finnish European, 0.0006%; no homozygotes.

Submissions (2):

Blueprint Genetics
Classification: Uncertain significance. Last evaluated: 2024-11-08. Review status: criteria provided, single submitter. Criteria: ACMG Guidelines, 2015. Collection method: clinical testing. Allele origin: germline.

Labcorp Genetics (formerly Invitae), Labcorp
Classification: Uncertain significance for Desmin-related myofibrillar myopathy. Last evaluated: 2024-02-29. Review status: criteria provided, single submitter. Criteria: Invitae Variant Classification Sherloc (09022015). Collection method: clinical testing. Allele origin: germline.
Comment: This sequence change replaces alanine, which is neutral and non-polar, with valine, which is neutral and non-polar, at codon 71 of the DES protein (p.Ala71Val). This variant is present in population databases (rs759235186, gnomAD 0.004%). This variant has not been reported in the literature in individuals affected with DES-related conditions. ClinVar contains an entry for this variant (Variation ID: 222541). Advanced modeling of protein sequence and biophysical properties (such as structural, functional, and spatial information, amino acid conservation, physicochemical variation, residue mobility, and thermodynamic stability) performed at Invitae indicates that this missense variant is not expected to disrupt DES protein function with a negative predictive value of 80%. In summary, the available evidence is currently insufficient to determine the role of this variant in disease. Therefore, it has been classified as a Variant of Uncertain Significance.